The following is an entry in ClinVar:

ClinVar aggregate classification (germline): Likely pathogenic (1 of 4 stars; one submission).

Conditions:
Monogenic hearing loss.

Submission:

Genetics Laboratory, Great Ormond Street Hospital NHS Foundation Trust, North Thames Genomic Laboratory Hub
Classification: Likely pathogenic for Monogenic hearing loss. Last evaluated: 2026-06-10. Review status: criteria provided, single submitter. Criteria: ACGS Best Practice Guidelines for Variant Classification in Rare Disease 2024 v1.2. Collection method: clinical testing. Allele origin: germline. Affected: yes.
Comment: PM2_moderate, PM4_moderate, PM1_supporting, PP4_supporting

NM_181458.4(PAX3):c.819_824del (p.Trp274_Arg275del)

Gene: PAX3 (paired box 3; minus strand). Cytogenetic location: 2q36.1.
Variant type: Deletion.
Coding change: c.819_824del on transcript NM_181458.4 (MANE Select); coding-DNA positions 819 to 824, 6 bases deleted (ATGGAG; older notation c.819_824delATGGAG).
Protein change: p.Trp274_Arg275del.
Molecular consequence: inframe deletion.
Genome position (GRCh38, 1-based): chr2:222,221,356-222,221,361, CTCCAT deleted on the plus strand (ATGGAG on the coding strand, the reverse complement: PAX3 is on the minus strand); deleting any 6 consecutive bases within chr2:222,221,356-222,221,363 gives the same sequence; the c. name uses the placement nearest the transcript's 3' end. VCF-style (leftmost placement, unchanged base first): chr2-222221355-CCTCCAT-C. GRCh37 (hg19) VCF-style: chr2-223086074-CCTCCAT-C.
Other names: c.819_824del, p.Trp274_Arg275del (NM_181459.4, NM_181460.4, NM_181461.4 and 1 more transcripts); c.816_821del, p.Trp273_Arg274del (NM_001127366.3).
Identifiers: ClinVar variation 4880482 (VCV004880482.1).
Genomic context (GRCh38, chr2:222,221,355, plus strand): 5'-AGGGAACCCCCCGGGAATGAGATGGTTGAAAGCCATCAGTTGATTGGCCCCAGCTTGCTT[CCTCCAT>C]CTTGCACGGCGGTTGCTAAACCAGACCTATGGATTTAATTTAAAATTTAAGGATTTCACT-3'